The following is an entry in ClinVar:

NM_001267550.2(TTN):c.89892A>T (p.Pro29964=)

Genes: TTN-AS1 (TTN antisense RNA 1; plus strand), TTN (titin; minus strand). Cytogenetic location: 2q31.2.
Variant type: single nucleotide variant.
Coding change: c.89892A>T on transcript NM_001267550.2 (MANE Select); coding-DNA position 89892, A replaced by T.
Protein change: p.Pro29964=; no amino-acid change (proline 29964 retained).
Molecular consequence: synonymous variant.
Genome position (GRCh38, 1-based): chr2:178,553,008, T>A on the plus strand (A>T on the coding strand, the complement: TTN is on the minus strand). VCF-style: chr2-178553008-T-A. GRCh37 (hg19) VCF-style: chr2-179417735-T-A.
Other names: c.84969A>T, p.Pro28323= (NM_001256850.1); c.62697A>T, p.Pro20899= (NM_003319.4); c.82188A>T, p.Pro27396= (NM_133378.4); c.63072A>T, p.Pro21024= (NM_133432.3); c.63273A>T, p.Pro21091= (NM_133437.4).
Identifiers: ClinVar variation 389152 (VCV000389152.5), dbSNP rs1057523342, ClinGen allele CA16604093.

ClinVar aggregate classification (germline): Likely benign. Review status: criteria provided, multiple submitters, no conflicts (2 of 4 stars). 3 submissions from 3 submitters: Likely benign (2). 1 of the submissions does not count toward it. Last evaluated 2023-08-30.

Conditions:
Dilated cardiomyopathy 1G (CMD1G). Identifiers: Orphanet 154, MedGen C1858763, MONDO:0011400, OMIM 604145.
Autosomal recessive limb-girdle muscular dystrophy type 2J (LGMDR10). Also called: MUSCULAR DYSTROPHY, LIMB-GIRDLE, AUTOSOMAL RECESSIVE 10; Limb-girdle muscular dystrophy, type 2J. Identifiers: Orphanet 140922, MedGen C1837342, MONDO:0012127, OMIM 608807.
TTN-related disorder. Also called: TTN-related disorders; TTN-related condition; TTN-related disease.

Allele frequency attached by ClinVar (database versions not stated): gnomAD exomes below 0.00001; TOPMed below 0.00001; gnomAD 0.00001.
gnomAD v4.1: 5 of 1,611,654 alleles (0.00031%); highest among the groups gnomAD compares: Non-Finnish European, 0.00034%; no homozygotes.

Submissions (3):

Labcorp Genetics (formerly Invitae), Labcorp
Classification: Likely benign for Dilated cardiomyopathy 1G; Autosomal recessive limb-girdle muscular dystrophy type 2J. Last evaluated: 2023-08-30. Review status: criteria provided, single submitter. Criteria: Invitae Variant Classification Sherloc (09022015). Collection method: clinical testing. Allele origin: germline.

GeneDx
Classification: Likely benign. Last evaluated: 2016-09-08. Review status: criteria provided, single submitter. Criteria: GeneDx Variant Classification (06012015). Collection method: clinical testing. Allele origin: germline. Affected: yes.
Comment: This variant is considered likely benign or benign based on one or more of the following criteria: it is a conservative change, it occurs at a poorly conserved position in the protein, it is predicted to be benign by multiple in silico algorithms, and/or has population frequency not consistent with disease.

PreventionGenetics, part of Exact Sciences
Classification: Likely benign for TTN-related condition. Last evaluated: 2024-03-11. Review status: no assertion criteria provided. Collection method: clinical testing. Allele origin: germline. Not counted in ClinVar's aggregate classification.
Comment: This variant is classified as likely benign based on ACMG/AMP sequence variant interpretation guidelines (Richards et al. 2015 PMID: 25741868, with internal and published modifications).